The following is an entry in ClinVar:

ClinVar aggregate classification (germline): Uncertain significance. Review status: criteria provided, multiple submitters, no conflicts (2 of 4 stars). 2 submissions from 2 submitters: Uncertain significance (2). Last evaluated 2025-08-03.

Conditions:
Inborn genetic diseases. Identifiers: MedGen C0950123, MeSH D030342.

Allele frequency attached by ClinVar (database versions not stated): gnomAD exomes 0.00004; ExAC 0.00006; TOPMed 0.00007; gnomAD 0.00008 and 0.00009.
gnomAD v4.1: 44 of 1,613,994 alleles (0.0027%); highest among the groups gnomAD compares: African/African-American, 0.023%; no homozygotes.

Submissions (2):

Ambry Genetics
Classification: Uncertain significance for Inborn genetic diseases. Last evaluated: 2025-08-03. Review status: criteria provided, single submitter. Criteria: Ambry Variant Classification Scheme 2023. Collection method: clinical testing. Allele origin: germline.

Labcorp Genetics (formerly Invitae), Labcorp
Classification: Uncertain significance. Last evaluated: 2022-07-26. Review status: criteria provided, single submitter. Criteria: Invitae Variant Classification Sherloc (09022015). Collection method: clinical testing. Allele origin: germline.
Comment: This sequence change replaces arginine, which is basic and polar, with cysteine, which is neutral and slightly polar, at codon 745 of the SKIV2L protein (p.Arg745Cys). This variant is present in population databases (rs759867866, gnomAD 0.03%). This variant has not been reported in the literature in individuals affected with SKIV2L-related conditions. ClinVar contains an entry for this variant (Variation ID: 1438661). Algorithms developed to predict the effect of missense changes on protein structure and function are either unavailable or do not agree on the potential impact of this missense change (SIFT: "Deleterious"; PolyPhen-2: "Probably Damaging"; Align-GVGD: "Class C0"). In summary, the available evidence is currently insufficient to determine the role of this variant in disease. Therefore, it has been classified as a Variant of Uncertain Significance.

NM_006929.5(SKIC2):c.2233C>T (p.Arg745Cys)

Gene: SKIC2 (SKI2 subunit of superkiller complex; plus strand). Cytogenetic location: 6p21.33.
Variant type: single nucleotide variant.
Coding change: c.2233C>T on transcript NM_006929.5 (MANE Select); coding-DNA position 2233, C replaced by T.
Protein change: p.Arg745Cys; replaces arginine 745 with cysteine.
Molecular consequence: missense variant.
Genome position (GRCh38, 1-based): chr6:31,966,739, C>T. VCF-style: chr6-31966739-C-T. GRCh37 (hg19) VCF-style: chr6-31934516-C-T.
Other names: c.2233C>T (NM_006929.4); short protein forms R745C.
Identifiers: ClinVar variation 1438661 (VCV001438661.5), dbSNP rs759867866, ClinGen allele CA3729720.